The following is an entry in ClinVar:

ClinVar aggregate classification (germline): Benign/Likely benign. Review status: criteria provided, multiple submitters, no conflicts (2 of 4 stars). 4 submissions from 4 submitters: Benign (1); Likely benign (3). Last evaluated 2024-08-26.

Conditions:
Hereditary cancer-predisposing syndrome. Also called: Hereditary neoplastic syndrome; Neoplastic Syndromes, Hereditary; Tumor predisposition; Hereditary Cancer Syndrome. Identifiers: Orphanet 140162, MedGen C0027672, MeSH D009386, MONDO:0015356.
Fanconi anemia complementation group J. Also called: BRIP1-Related Fanconi Anemia. Identifiers: Orphanet 84, MedGen C1836860, MONDO:0012187, OMIM 609054.
Familial cancer of breast. Also called: BREAST CANCER, FAMILIAL; hereditary breast carcinoma; Hereditary breast cancer. Identifiers: Orphanet 227535, MedGen C0346153, MONDO:0016419, OMIM 114480. Disease mechanism: loss of function.

gnomAD v4.1: 1 of 1,613,752 alleles (0.000062%); highest among the groups gnomAD compares: Non-Finnish European, 0.000085%; no homozygotes.

Submissions (4):

Myriad Genetics, Inc.
Classification: Benign for Familial cancer of breast. Last evaluated: 2024-08-26. Review status: criteria provided, single submitter. Criteria: Myriad Autosomal Dominant, Autosomal Recessive and X-Linked Classification Criteria (2023). Collection method: clinical testing. Allele origin: unknown.
Comment: This variant is considered benign. This variant is a silent/synonymous amino acid change and it is not expected to impact splicing.

Color Diagnostics, LLC DBA Color Health
Classification: Likely benign for Hereditary cancer-predisposing syndrome. Last evaluated: 2024-03-04. Review status: criteria provided, single submitter. Criteria: ACMG Guidelines, 2015. Collection method: clinical testing. Allele origin: germline.

Ambry Genetics
Classification: Likely benign for Hereditary cancer-predisposing syndrome. Last evaluated: 2023-12-20. Review status: criteria provided, single submitter. Criteria: Ambry Variant Classification Scheme 2023. Collection method: clinical testing. Allele origin: germline.

Labcorp Genetics (formerly Invitae), Labcorp
Classification: Likely benign for Familial cancer of breast; Fanconi anemia complementation group J. Last evaluated: 2022-11-15. Review status: criteria provided, single submitter. Criteria: Invitae Variant Classification Sherloc (09022015). Collection method: clinical testing. Allele origin: germline.

NM_032043.3(BRIP1):c.1266A>T (p.Leu422=)

Gene: BRIP1 (BRCA1 interacting DNA helicase 1; minus strand). Cytogenetic location: 17q23.2.
Variant type: single nucleotide variant.
Coding change: c.1266A>T on transcript NM_032043.3 (MANE Select); coding-DNA position 1266, A replaced by T.
Protein change: p.Leu422=; no amino-acid change (leucine 422 retained).
Molecular consequence: synonymous variant.
Genome position (GRCh38, 1-based): chr17:61,799,174, T>A on the plus strand (A>T on the coding strand, the complement: BRIP1 is on the minus strand). VCF-style: chr17-61799174-T-A. GRCh37 (hg19) VCF-style: chr17-59876535-T-A.
Identifiers: ClinVar variation 461067 (VCV000461067.14), dbSNP rs1484320639, ClinGen allele CA501151506.